The following is an entry in ClinVar:

ClinVar aggregate classification (germline): Uncertain significance (1 of 4 stars; one submission).

Conditions:
Hyperekplexia 3 (HKPX3). Also called: HYPEREKPLEXIA 3, AUTOSOMAL RECESSIVE; HYPEREKPLEXIA 3, AUTOSOMAL DOMINANT. Identifiers: Orphanet 3197, MedGen C3553288, MONDO:0013827, OMIM 614618.

Allele frequency attached by ClinVar (database versions not stated): gnomAD exomes below 0.00001; ExAC 0.00001; gnomAD 0.00002; TOPMed 0.00002; ESP Exome Variant Server 0.00015.
gnomAD v4.1: 4 of 1,613,918 alleles (0.00025%); highest among the groups gnomAD compares: African/African-American, 0.0053%; no homozygotes.

Submission:

Labcorp Genetics (formerly Invitae), Labcorp
Classification: Uncertain significance for Hyperekplexia 3. Last evaluated: 2025-01-06. Review status: criteria provided, single submitter. Criteria: Invitae Variant Classification Sherloc (09022015). Collection method: clinical testing. Allele origin: germline.
Comment: This sequence change replaces phenylalanine, which is neutral and non-polar, with leucine, which is neutral and non-polar, at codon 367 of the SLC6A5 protein (p.Phe367Leu). This variant is present in population databases (rs147227187, gnomAD 0.008%). This variant has not been reported in the literature in individuals affected with SLC6A5-related conditions. ClinVar contains an entry for this variant (Variation ID: 1512540). Invitae Evidence Modeling of protein sequence and biophysical properties (such as structural, functional, and spatial information, amino acid conservation, physicochemical variation, residue mobility, and thermodynamic stability) indicates that this missense variant is not expected to disrupt SLC6A5 protein function with a negative predictive value of 95%. In summary, the available evidence is currently insufficient to determine the role of this variant in disease. Therefore, it has been classified as a Variant of Uncertain Significance.

NM_004211.5(SLC6A5):c.1101T>G (p.Phe367Leu)

Gene: SLC6A5 (solute carrier family 6 member 5; plus strand). Cytogenetic location: 11p15.1.
Variant type: single nucleotide variant.
Coding change: c.1101T>G on transcript NM_004211.5 (MANE Select); coding-DNA position 1101, T replaced by G.
Protein change: p.Phe367Leu; replaces phenylalanine 367 with leucine.
Molecular consequence: missense variant.
Genome position (GRCh38, 1-based): chr11:20,614,794, T>G. VCF-style: chr11-20614794-T-G. GRCh37 (hg19) VCF-style: chr11-20636340-T-G.
Other names: c.399T>G, p.Phe133Leu (NM_001318369.2); short protein forms F133L, F367L.
Identifiers: ClinVar variation 1512540 (VCV001512540.5), dbSNP rs147227187, ClinGen allele CA5921308.